The following is an entry in ClinVar:

NM_030948.6(PHACTR1):c.1537C>T (p.Leu513Phe)

Genes: PHACTR1 (phosphatase and actin regulator 1; plus strand), TBC1D7-LOC100130357 (TBC1D7-LOC100130357 readthrough; minus strand), LOC100130357 (uncharacterized LOC100130357; minus strand). Cytogenetic location: 6p24.1.
Variant type: single nucleotide variant.
Coding change: c.1537C>T on transcript NM_030948.6 (MANE Select); coding-DNA position 1537, C replaced by T.
Protein change: p.Leu513Phe; replaces leucine 513 with phenylalanine.
Molecular consequence: missense variant. On other transcripts: intron variant (1).
Genome position (GRCh38, 1-based): chr6:13,283,449, C>T. VCF-style: chr6-13283449-C-T. GRCh37 (hg19) VCF-style: chr6-13283681-C-T.
Other names: c.1537C>T, p.Leu513Phe (NM_001242648.4, NM_001322308.3, NM_001322309.3 and 1 more transcripts); c.1744C>T, p.Leu582Phe (NM_001322310.2); c.1261C>T, p.Leu421Phe (NM_001322311.2, NM_001322312.3, NM_001374583.2); c.1468C>T, p.Leu490Phe (NM_001322313.2); c.1747C>T, p.Leu583Phe (NM_001322314.4); c.*40-15614G>A (NM_001318809.2); short protein forms L513F, L583F, L582F, L421F, L490F.
Identifiers: ClinVar variation 5026487 (VCV005026487.1).
Genomic context (GRCh38, chr6:13,283,449, plus strand): 5'-GCTGACTGGGTCCATCTCTCTCCCTCCCTGCAGCTCAGTCAAAGGCCCACGGTGGAAGAG[C>T]TTCGGGAAAGAAAGATCCTCATCCGCTTCAGTGACTACGTGGAGGTGGCTGACGCTCAGG-3'
Protein context (NP_112210.1, residues 503-523): KLSQRPTVEE[Leu513Phe]RERKILIRFS

ClinVar aggregate classification (germline): Likely pathogenic (1 of 4 stars; one submission).

Submission:

Ambry Genetics
Classification: Likely pathogenic. Last evaluated: 2026-06-24. Review status: criteria provided, single submitter. Criteria: Ambry Variant Classification Scheme 2023. Collection method: clinical testing. Allele origin: germline.
Comment: The c.1537C>T (p.L513F) alteration is located in exon 13 (coding exon 11) of the PHACTR1 gene. This alteration results from a C to T substitution at nucleotide position 1537, causing the leucine (L) at amino acid position 513 to be replaced by a phenylalanine (F). This variant was not reported in population-based cohorts in the Genome Aggregation Database (gnomAD). This variant was reported in individual(s) with features consistent with PHACTR1-related neurodevelopmental disorder; in at least one individual, it was determined to be de novo (Xu, 2024). This amino acid position is highly conserved in available vertebrate species. This alteration is predicted to be tolerated by in silico analysis. Based on the available evidence, this alteration is classified as likely pathogenic.

Literature cited by the submitters: PubMed 38272663.